The following is an entry in ClinVar:

NM_025265.4(TSEN2):c.522C>T (p.Asn174=)

Gene: TSEN2 (tRNA splicing endonuclease subunit 2; plus strand). Cytogenetic location: 3p25.2.
Variant type: single nucleotide variant.
Coding change: c.522C>T on transcript NM_025265.4 (MANE Select); coding-DNA position 522, C replaced by T.
Protein change: p.Asn174=; no amino-acid change (asparagine 174 retained).
Molecular consequence: synonymous variant. On other transcripts: non-coding transcript variant (1), intron variant (1).
Genome position (GRCh38, 1-based): chr3:12,503,475, C>T. VCF-style: chr3-12503475-C-T. GRCh37 (hg19) VCF-style: chr3-12544974-C-T.
Other names: c.522C>T, p.Asn174= (NM_001145392.2, NM_001145393.3, NM_001321277.2 and 2 more transcripts); c.516+6C>T (NM_001145394.2).
Identifiers: ClinVar variation 514490 (VCV000514490.20), dbSNP rs141580750, ClinGen allele CA2258536.

ClinVar aggregate classification (germline): Conflicting classifications of pathogenicity. Review status: criteria provided, conflicting classifications (1 of 4 stars). 5 submissions from 5 submitters: Uncertain significance (1); Likely benign (3). 1 of the submissions does not count toward it. Last evaluated 2026-01-17.

Conditions:
TSEN2-related disorder. Also called: TSEN2-related condition.
Pontoneocerebellar hypoplasia. Also called: Pontocerebellar hypoplasia; Non-syndromic pontocerebellar hypoplasia. Identifiers: Orphanet 98523, MedGen C1261175, MONDO:0020135.

Allele frequency attached by ClinVar (database versions not stated): ExAC 0.00035; gnomAD exomes 0.00045 and 0.00114; gnomAD 0.00058 and 0.00059; TOPMed 0.00061; ESP Exome Variant Server 0.00077.
gnomAD v4.1: 1,785 of 1,614,048 alleles (0.11%); highest among the groups gnomAD compares: Non-Finnish European, 0.13%; 4 homozygotes.

Submissions (5):

Labcorp Genetics (formerly Invitae), Labcorp
Classification: Likely benign. Last evaluated: 2026-01-17. Review status: criteria provided, single submitter. Criteria: Invitae Variant Classification Sherloc (09022015). Collection method: clinical testing. Allele origin: germline.

Blueprint Genetics
Classification: Likely benign. Last evaluated: 2024-11-25. Review status: criteria provided, single submitter. Criteria: ACMG Guidelines, 2015. Collection method: clinical testing. Allele origin: germline.

GeneDx
Classification: Likely benign. Last evaluated: 2021-04-16. Review status: criteria provided, single submitter. Criteria: GeneDx Variant Classification Process June 2021. Collection method: clinical testing. Allele origin: germline. Affected: yes.

Illumina Laboratory Services, Illumina
Classification: Uncertain significance for Pontoneocerebellar hypoplasia. Last evaluated: 2018-01-12. Review status: criteria provided, single submitter. Criteria: ICSL Variant Classification Criteria 13 December 2019. Collection method: clinical testing. Allele origin: germline.

PreventionGenetics, part of Exact Sciences
Classification: Likely benign for TSEN2-related condition. Last evaluated: 2020-05-11. Review status: no assertion criteria provided. Collection method: clinical testing. Allele origin: germline. Not counted in ClinVar's aggregate classification.
Comment: This variant is classified as likely benign based on ACMG/AMP sequence variant interpretation guidelines (Richards et al. 2015 PMID: 25741868, with internal and published modifications).